The following is an entry in ClinVar:

ClinVar aggregate classification (germline): Conflicting classifications of pathogenicity. Review status: criteria provided, conflicting classifications (1 of 4 stars). 12 submissions from 12 submitters: Uncertain significance (10); Likely benign (1). 1 of the submissions does not count toward it. Last evaluated 2026-07-21.

Conditions:
Ovarian cancer. Also called: OVARIAN CANCER, SOMATIC. Identifiers: Orphanet 213500, MedGen C1140680, MONDO:0008170, OMIM 167000.
Fanconi anemia complementation group J. Also called: BRIP1-Related Fanconi Anemia. Identifiers: Orphanet 84, MedGen C1836860, MONDO:0012187, OMIM 609054.
BRIP1-related disorder. Also called: BRIP1-related condition; BRIP1-related disorders. Identifiers: MedGen CN239206.
Familial cancer of breast. Also called: Hereditary breast cancer; BREAST CANCER, FAMILIAL; hereditary breast carcinoma. Identifiers: Orphanet 227535, MedGen C0346153, MONDO:0016419, OMIM 114480. Disease mechanism: loss of function.
Hereditary cancer-predisposing syndrome. Also called: Neoplastic Syndromes, Hereditary; Tumor predisposition; Hereditary neoplastic syndrome; Hereditary Cancer Syndrome. Identifiers: Orphanet 140162, MedGen C0027672, MeSH D009386, MONDO:0015356.

Allele frequency attached by ClinVar (database versions not stated): ExAC 0.00001; gnomAD exomes 0.00001 and 0.00002; gnomAD 0.00002 and 0.00003; TOPMed 0.00003; 1000 Genomes Project 30x 0.00016; 1000 Genomes Project 0.00020.
gnomAD v4.1: 26 of 1,613,750 alleles (0.0016%); highest among the groups gnomAD compares: Admixed American, 0.0033%; no homozygotes.

Submissions (12):

PreventionGenetics, part of Exact Sciences
Classification: Uncertain significance for BRIP1-related condition. Last evaluated: 2026-07-21. Review status: criteria provided, single submitter. Criteria: ACMG Guidelines, 2015. Collection method: clinical testing. Allele origin: germline.
Comment: The BRIP1 c.617C>T variant is predicted to result in the amino acid substitution p.Ser206Leu. This variant has been reported in individuals with breast, prostate, or colorectal cancer (Table S3, Weitzel et al. 2019. PubMed ID: 31206626; Table S6, Momozawa et al. 2020. PubMed ID: 31214711; Table S5, Fujita et al. 2020. PubMed ID: 33309985). However, this variant has also been observed in multiple non-cancer controls while being absent from associated breast/ovarian cancer cohorts (Table S3, Ramus et al. 2015. PubMed ID: 26315354; Supplemental Data, Breast Cancer Association Consortium et al. 2021. PubMed ID: 33471991). This variant is reported in 0.0031% of alleles in individuals of European (Non-Finnish) descent in gnomAD and has conflicting interpretations of likely benign and uncertain in ClinVar (Variation ID: 188324). At this time, the clinical significance of this variant is uncertain due to the absence of conclusive functional and genetic evidence.

Labcorp Genetics (formerly Invitae), Labcorp
Classification: Uncertain significance for Familial cancer of breast; Fanconi anemia complementation group J. Last evaluated: 2026-01-31. Review status: criteria provided, single submitter. Criteria: Invitae Variant Classification Sherloc (09022015). Collection method: clinical testing. Allele origin: germline.
Comment: This sequence change replaces serine, which is neutral and polar, with leucine, which is neutral and non-polar, at codon 206 of the BRIP1 protein (p.Ser206Leu). This variant is present in population databases (rs565458815, gnomAD 0.003%). This missense change has been observed in individual(s) with breast, colorectal, and/or prostate cancer (PMID: 31206626, 31214711, 33309985). ClinVar contains an entry for this variant (Variation ID: 188324). Invitae Evidence Modeling of protein sequence and biophysical properties (such as structural, functional, and spatial information, amino acid conservation, physicochemical variation, residue mobility, and thermodynamic stability) indicates that this missense variant is not expected to disrupt BRIP1 protein function with a negative predictive value of 95%. In summary, the available evidence is currently insufficient to determine the role of this variant in disease. Therefore, it has been classified as a Variant of Uncertain Significance.

Quest Diagnostics Nichols Institute San Juan Capistrano
Classification: Uncertain significance. Last evaluated: 2025-09-04. Review status: criteria provided, single submitter. Criteria: Quest Diagnostics criteria. Collection method: clinical testing. Allele origin: unknown.
Comment: The BRIP1 c.617C>T (p.Ser206Leu) variant has been reported in the published literature in individuals with breast cancer (PMID: 31206626 (2019)) colorectal cancer (PMID: 33309985 (2020)). The variant has also been reported in reportedly unaffected individuals (PMID: 26315354 (2015) and PMID: 33471991 (2021)). The frequency of this variant in the general population (Genome Aggregation Database) is uninformative in the assessment of its pathogenicity. Analysis of this variant using bioinformatics tools for the prediction of the effect of amino acid changes on protein structure and function yielded predictions that this variant is benign. Based on the available information, we are unable to determine the clinical significance of this variant.

GeneDx
Classification: Uncertain significance. Last evaluated: 2025-05-06. Review status: criteria provided, single submitter. Criteria: GeneDx Variant Classification Process June 2021. Collection method: clinical testing. Allele origin: germline. Affected: yes.
Comment: Not observed at significant frequency in large population cohorts (gnomAD); In silico analysis suggests that this missense variant does not alter protein structure/function; Observed in individuals with personal or family history of breast/ovarian cancer and also in unaffected controls (PMID: 26315354, 31206626); This variant is associated with the following publications: (PMID: 27545006, 31839986, 31206626, 33309985, 26315354)

Color Diagnostics, LLC DBA Color Health
Classification: Uncertain significance for Hereditary cancer-predisposing syndrome. Last evaluated: 2024-01-02. Review status: criteria provided, single submitter. Criteria: ACMG Guidelines, 2015. Collection method: clinical testing. Allele origin: germline.
Comment: This missense variant replaces serine with leucine at codon 206 of the BRIP1 protein. Computational prediction suggests that this variant may not impact protein structure and function. To our knowledge, functional studies have not been reported for this variant. This variant has been reported in breast and ovarian cancer case control studies in 0/60466 breast cancer cases and 4/53461 unaffected individuals (PMID: 33471991; Leiden Open Variation Database DB-ID BRIP1_000670) and in 0/3236 ovarian cancer cases and 1/3431 unaffected individuals (PMID: 26315354). This variant also has been reported in a colorectal and prostate cancer case-control studies in 1/12503 colorectal cancer cases and 0/23705 unaffected individuals (PMID: 33309985) and in 1/7636 prostate cancer cases and 0/12366 unaffected individuals (PMID: 31214711). This variant has been identified in 5/282696 chromosomes in the general population by the Genome Aggregation Database (gnomAD). The available evidence is insufficient to determine the role of this variant in disease conclusively. Therefore, this variant is classified as a Variant of Uncertain Significance.

Baylor Genetics
Classification: Uncertain significance for Familial cancer of breast. Last evaluated: 2023-11-16. Review status: criteria provided, single submitter. Criteria: ACMG Guidelines, 2015. Collection method: clinical testing. Allele origin: unknown.

Myriad Genetics, Inc.
Classification: Uncertain significance for Familial cancer of breast. Last evaluated: 2023-02-28. Review status: criteria provided, single submitter. Criteria: Myriad Autosomal Dominant, Autosomal Recessive and X-Linked Classification Criteria (2023). Collection method: clinical testing. Allele origin: unknown.
Comment: This variant is classified as a variant of uncertain significance as there is insufficient evidence to determine its impact on protein function and/or cancer risk.

Department of Pathology and Laboratory Medicine, Sinai Health System
Classification: Uncertain significance for Familial cancer of breast. Last evaluated: 2023-02-27. Review status: criteria provided, single submitter. Criteria: ACMG Guidelines, 2015. Collection method: clinical testing. Allele origin: germline. Affected: yes.

Women's Health and Genetics/Laboratory Corporation of America, LabCorp
Classification: Uncertain significance. Last evaluated: 2022-02-07. Review status: criteria provided, single submitter. Criteria: LabCorp Variant Classification Summary - May 2015. Collection method: clinical testing. Allele origin: germline.
Comment: Variant summary: BRIP1 c.617C>T (p.Ser206Leu) results in a non-conservative amino acid change located in the Helicase superfamily 1/2, ATP-binding domain (IPR014001) of the encoded protein sequence. Three of five in-silico tools predict a benign effect of the variant on protein function. The variant allele was found at a frequency of 1.6e-05 in 251312 control chromosomes. The available data on variant occurrences in the general population are insufficient to allow any conclusion about variant significance. c.617C>T has been reported in the literature in an individual affected with Breast Cancer (example, Weitzel_2019), and another individual affected with colorectal cancer (example, Fujita_2020), but was also found in controls (example, Ramus_2015, Dorling_2021). These report(s) do not provide unequivocal conclusions about association of the variant with Breast Cancer. At-least two co-occurrences with other pathogenic variant(s) have been observed at our laboratory (BARD1 c.1872delT , p.Leu625SerfsX7 ; BRCA1 c.(4986+1_4987-1)_(5074+1_5075-1)del [exon 16 del]), providing supporting evidence for a benign role. To our knowledge, no experimental evidence demonstrating an impact on protein function has been reported. Six clinical diagnostic laboratories have submitted clinical-significance assessments for this variant to ClinVar after 2014 without evidence for independent evaluation (VUS, n=5, Likely Benign, n=1). Based on the evidence outlined above, the variant was classified as VUS-possibly benign.

Sema4
Classification: Uncertain significance for Hereditary cancer-predisposing syndrome. Last evaluated: 2021-05-19. Review status: criteria provided, single submitter. Criteria: Sema4 Curation Guidelines. Collection method: curation. Allele origin: germline.
Comment: The BRIP1 c.617C>T (p.S206L) variant has been reported in heterozygosity at least one individual with colorectal cancer (PMID: 33309985). It was observed in 4/129066 chromosomes in the Non-Finnish European subpopulation in the large and broad cohorts of the Genome Aggregation Database (PMID: 32461654). The variant has been reported in ClinVar (Variation ID: 188324). This variant involves a moderately conserved amino acid, and computational analyses do not provide strong support for or against an impact to the protein, though these predictions have not been confirmed by functional studies. The evidence is insufficient to meet ACMG/AMP criteria for classifying the variant as benign or pathogenic. Thus, the clinical significance of this variant is currently uncertain.

Ambry Genetics
Classification: Likely benign for Hereditary cancer-predisposing syndrome. Last evaluated: 2018-05-07. Review status: criteria provided, single submitter. Criteria: Ambry Variant Classification Scheme 2023. Collection method: clinical testing. Allele origin: germline.

Counsyl
Classification: Uncertain significance for Fanconi anemia complementation group J; Ovarian cancer. Last evaluated: 2017-05-22. Review status: no assertion criteria provided. Collection method: clinical testing. Allele origin: unknown. Not counted in ClinVar's aggregate classification.

Literature cited by the submitters: PubMed 31206626 (cited by 4 submitters); PubMed 31214711 (cited by Labcorp Genetics (formerly Invitae), Labcorp and Color Diagnostics, LLC DBA Color Health); PubMed 33309985 (cited by 6 submitters); PubMed 36922933 (cited by Quest Diagnostics Nichols Institute San Juan Capistrano); PubMed 36497135 (cited by Quest Diagnostics Nichols Institute San Juan Capistrano); PubMed 26315354 (cited by 6 submitters); PubMed 33471991 (cited by Quest Diagnostics Nichols Institute San Juan Capistrano and Color Diagnostics, LLC DBA Color Health).

NM_032043.3(BRIP1):c.617C>T (p.Ser206Leu)

Gene: BRIP1 (BRCA1 interacting DNA helicase 1; minus strand). Cytogenetic location: 17q23.2.
Variant type: single nucleotide variant.
Coding change: c.617C>T on transcript NM_032043.3 (MANE Select); coding-DNA position 617, C replaced by T.
Protein change: p.Ser206Leu; replaces serine 206 with leucine.
Molecular consequence: missense variant.
Genome position (GRCh38, 1-based): chr17:61,847,111, G>A on the plus strand (C>T on the coding strand, the complement: BRIP1 is on the minus strand). VCF-style: chr17-61847111-G-A. GRCh37 (hg19) VCF-style: chr17-59924472-G-A.
Other names: short protein forms S206L.
Identifiers: ClinVar variation 188324 (VCV000188324.36), dbSNP rs565458815, ClinGen allele CA334612.